The following is an entry in ClinVar:

NM_000111.3(SLC26A3):c.525G>C (p.Arg175Ser)

Gene: SLC26A3 (solute carrier family 26 member 3; minus strand). Cytogenetic location: 7q22.3.
Variant type: single nucleotide variant.
Coding change: c.525G>C on transcript NM_000111.3 (MANE Select); coding-DNA position 525, G replaced by C.
Protein change: p.Arg175Ser; replaces arginine 175 with serine.
Molecular consequence: missense variant.
Genome position (GRCh38, 1-based): chr7:107,791,093, C>G on the plus strand (G>C on the coding strand, the complement: SLC26A3 is on the minus strand). VCF-style: chr7-107791093-C-G. GRCh37 (hg19) VCF-style: chr7-107431538-C-G.
Other names: short protein forms R175S.
Identifiers: ClinVar variation 56003 (VCV000056003.2), dbSNP rs386833484, ClinGen allele CA144104.

ClinVar aggregate classification (germline): Likely pathogenic (0 of 4 stars; one submission).

Conditions:
Congenital secretory diarrhea, chloride type (DIAR1). Also called: DIARRHEA 1, SECRETORY CHLORIDE, CONGENITAL; CHLORIDORRHEA, CONGENITAL; CHLORIDE DIARRHEA, CONGENITAL, FINNISH TYPE. Identifiers: Orphanet 53689, MedGen C0267662, MONDO:0008964, OMIM 214700.

Submission:

Juha Muilu Group; Institute for Molecular Medicine Finland (FIMM)
Classification: Likely pathogenic for Congenital secretory diarrhea, chloride type. Review status: no assertion criteria provided. Collection method: not provided. Allele origin: unknown.
Comment: FinDis database variant: This variant was not found or characterized by our laboratory, data were collected from public sources: see reference
ClinVar note: Converted during submission from probable-pathogenic to Likely pathogenic.